The following is an entry in ClinVar:

NM_182961.4(SYNE1):c.17531C>G (p.Ser5844Cys)

Genes: SYNE1 (spectrin repeat containing nuclear envelope protein 1; minus strand), LOC129997480 (ATAC-STARR-seq lymphoblastoid active region 25287; plus strand). Cytogenetic location: 6q25.2.
Variant type: single nucleotide variant.
Coding change: c.17531C>G on transcript NM_182961.4 (MANE Select); coding-DNA position 17531, C replaced by G.
Protein change: p.Ser5844Cys; replaces serine 5844 with cysteine.
Molecular consequence: missense variant.
Genome position (GRCh38, 1-based): chr6:152,301,879, G>C on the plus strand (C>G on the coding strand, the complement: SYNE1 is on the minus strand). VCF-style: chr6-152301879-G-C. GRCh37 (hg19) VCF-style: chr6-152623014-G-C.
Other names: c.17318C>G, p.Ser5773Cys (NM_033071.5); c.17318C>G (NM_033071.3); short protein forms S5773C, S5844C.
Identifiers: ClinVar variation 448561 (VCV000448561.12), dbSNP rs144244988, ClinGen allele CA4055212.
Genomic context (GRCh38, chr6:152,301,879, plus strand): 5'-GCCAGGCTCCAGTCAAAGAGCAAAGCCGCGGGGACCCACTGGATCCTTACCATGACCACA[G>C]AGGGGTGGGCCGAAGGCGTGGGGAGGAGCTCCCCATCCAGGTCCTCTGTCCCTTCCGCCA-3'
Protein context (NP_892006.3, residues 5834-5854): ELLPTPSAHP[Ser5844Cys]VVMMTAGRCH

ClinVar aggregate classification (germline): Uncertain significance. Review status: criteria provided, multiple submitters, no conflicts (2 of 4 stars). 3 submissions from 3 submitters: Uncertain significance (3). Last evaluated 2023-01-17.

Conditions:
Emery-Dreifuss muscular dystrophy 4, autosomal dominant (EDMD4). Also called: EMERY-DREIFUSS MUSCULAR DYSTROPHY 4 WITH VARIABLE FEATURES. Identifiers: Orphanet 261, MedGen C2751807, MONDO:0013071, OMIM 612998.
Autosomal recessive ataxia, Beauce type. Also called: Spinocerebellar ataxia, autosomal recessive 8; ATAXIA, RECESSIVE, OF BEAUCE; SYNE1-Related Autosomal Recessive Cerebellar Ataxia; SYNE1 Deficiency. Identifiers: Orphanet 88644, MedGen C1853116, MONDO:0012549, OMIM 610743.

Allele frequency attached by ClinVar (database versions not stated): ExAC 0.00001; gnomAD exomes 0.00001 and 0.00002; TOPMed 0.00006; gnomAD 0.00009 and 0.00010; ESP Exome Variant Server 0.00015.
gnomAD v4.1: 24 of 1,613,188 alleles (0.0015%); highest among the groups gnomAD compares: African/African-American, 0.028%; no homozygotes.

Submissions (3):

Revvity Omics, Revvity
Classification: Uncertain significance. Last evaluated: 2023-01-17. Review status: criteria provided, single submitter. Criteria: ACMG Guidelines, 2015. Collection method: clinical testing. Allele origin: germline.

Labcorp Genetics (formerly Invitae), Labcorp
Classification: Uncertain significance for Emery-Dreifuss muscular dystrophy 4, autosomal dominant; Autosomal recessive ataxia, Beauce type. Last evaluated: 2022-03-18. Review status: criteria provided, single submitter. Criteria: Invitae Variant Classification Sherloc (09022015). Collection method: clinical testing. Allele origin: germline.
Comment: This variant has not been reported in the literature in individuals affected with SYNE1-related conditions. This sequence change replaces serine, which is neutral and polar, with cysteine, which is neutral and slightly polar, at codon 5773 of the SYNE1 protein (p.Ser5773Cys). This variant is present in population databases (rs144244988, gnomAD 0.03%). ClinVar contains an entry for this variant (Variation ID: 448561). Algorithms developed to predict the effect of missense changes on protein structure and function (SIFT, PolyPhen-2, Align-GVGD) all suggest that this variant is likely to be disruptive. In summary, the available evidence is currently insufficient to determine the role of this variant in disease. Therefore, it has been classified as a Variant of Uncertain Significance.

Athena Diagnostics
Classification: Uncertain significance. Last evaluated: 2016-12-31. Review status: criteria provided, single submitter. Criteria: Athena Diagnostics Criteria. Collection method: clinical testing. Allele origin: germline.